The following is an entry in ClinVar:

ClinVar aggregate classification (germline): Benign. Review status: criteria provided, multiple submitters, no conflicts (2 of 4 stars). 2 submissions from 2 submitters: Benign (2). Last evaluated 2026-01-19.

Allele frequency attached by ClinVar (database versions not stated): gnomAD 0.00062; gnomAD exomes 0.00079 and 0.00092; 1000 Genomes Project 30x 0.00172.
gnomAD v4.1: 845 of 1,090,872 alleles (0.077%); highest among the groups gnomAD compares: East Asian, 0.17%; no homozygotes.

Submissions (6):

Labcorp Genetics (formerly Invitae), Labcorp
Classification: Benign. Last evaluated: 2026-01-19. Review status: criteria provided, single submitter. Criteria: Invitae Variant Classification Sherloc (09022015). Collection method: clinical testing. Allele origin: germline.

CeGaT Center for Human Genetics Tuebingen
Classification: Benign. Last evaluated: 2025-05-01. Review status: criteria provided, single submitter. Criteria: CeGaT Center For Human Genetics Tuebingen Variant Classification Criteria Version 2. Collection method: clinical testing. Allele origin: germline. Affected: yes. Observed: 3 variant alleles.
Comment: NSD2: BS1, BS2

Dr. Peter K. Rogan Lab, Western University
No classification provided (evidence only). Condition: Acute myeloid leukemia. Review status: no classification provided. Collection method: in vitro. Allele origin: not applicable. Functional consequence: skipped exon. Not counted in ClinVar's aggregate classification.

Dr. Peter K. Rogan Lab, Western University
No classification provided (evidence only). Condition: Uterine corpus endometrial carcinoma. Review status: no classification provided. Collection method: in vitro. Allele origin: not applicable. Functional consequence: retained intron. Not counted in ClinVar's aggregate classification.

Dr. Peter K. Rogan Lab, Western University
No classification provided (evidence only). Condition: Cervical cancer. Review status: no classification provided. Collection method: in vitro. Allele origin: not applicable. Functional consequence: skipped exon, retained intron. Not counted in ClinVar's aggregate classification.

Dr. Peter K. Rogan Lab, Western University
No classification provided (evidence only). Condition: Gastric cancer. Review status: no classification provided. Collection method: in vitro. Allele origin: not applicable. Functional consequence: retained intron. Not counted in ClinVar's aggregate classification.

NM_001042424.3(NSD2):c.1675-10T>A

Gene: NSD2 (nuclear receptor binding SET domain protein 2; plus strand). Cytogenetic location: 4p16.3.
Variant type: single nucleotide variant.
Coding change: c.1675-10T>A on transcript NM_001042424.3 (MANE Select); 10 bases into the intron before coding-DNA position 1675, T replaced by A.
Molecular consequence: intron variant.
Genome position (GRCh38, 1-based): chr4:1,938,441, T>A. VCF-style: chr4-1938441-T-A. GRCh37 (hg19) VCF-style: chr4-1940168-T-A.
Other names: c.1675-10T>A (NM_001440892.1, NM_001440894.1, NM_001440895.1 and 6 more transcripts); c.1774-10T>A (NM_001440893.1); c.706-10T>A (NM_001440900.1, NM_001440899.1); c.1674+3179T>A (NM_001440897.1, NM_001440898.1).
Identifiers: ClinVar variation 348436 (VCV000348436.36), dbSNP rs886059317, ClinGen allele CA10620779.
Genomic context (GRCh38, chr4:1,938,441, plus strand): 5'-TTTTTTCCTTTTTTTCTTTTCTTTTTTTTTTCTTTCTTTTTTTTTTTTTTTTTTTTTTTT[T>A]AAATAATAGAGAGACACAATCACTGACAAAACGGCCAGAACAAGCTCTTACAAGGCCATG-3'